The following is an entry in ClinVar:

ClinVar aggregate classification (germline): Uncertain significance. Review status: criteria provided, multiple submitters, no conflicts (2 of 4 stars). 5 submissions from 5 submitters: Uncertain significance (5). Last evaluated 2026-07-23.

Conditions:
TTN-related disorder. Also called: TTN-related condition; TTN-related disease; TTN-related disorders.
Cardiovascular phenotype. Identifiers: MedGen CN230736.
Early-onset myopathy with fatal cardiomyopathy (CMYO5). Also called: CONGENITAL MYOPATHY 5 WITH CARDIOMYOPATHY; Salih Myopathy. Identifiers: Orphanet 289377, MedGen C2673677, MONDO:0012714, OMIM 611705. Disease mechanism: loss of function.
Myopathy, myofibrillar, 9, with early respiratory failure (MFM9). Also called: MYOPATHY, PROXIMAL, WITH EARLY RESPIRATORY MUSCLE INVOLVEMENT; Hereditary myopathy with early respiratory failure; EDSTROM MYOPATHY; Myopathy, distal, with early respiratory failure, autosomal dominant. Identifiers: Orphanet 178464, Orphanet 34521, MedGen C1863599, MONDO:0011362, OMIM 603689.
Tibial muscular dystrophy (TMD). Also called: Tibial muscular dystrophy, tardive; Udd Distal Myopathy – Tibial Muscular Dystrophy; UDD MYOPATHY. Identifiers: Orphanet 609, MedGen C1838244, MONDO:0010870, OMIM 600334.
Dilated cardiomyopathy 1G (CMD1G). Identifiers: Orphanet 154, MedGen C1858763, MONDO:0011400, OMIM 604145.
Autosomal recessive limb-girdle muscular dystrophy type 2J (LGMDR10). Also called: Limb-girdle muscular dystrophy, type 2J; MUSCULAR DYSTROPHY, LIMB-GIRDLE, AUTOSOMAL RECESSIVE 10. Identifiers: Orphanet 140922, MedGen C1837342, MONDO:0012127, OMIM 608807.
Hypertrophic cardiomyopathy 9. Also called: Familial hypertrophic cardiomyopathy 9. Identifiers: MedGen C1861065, MONDO:0013412, OMIM 613765.

Submissions (5):

PreventionGenetics, part of Exact Sciences
Classification: Uncertain significance for TTN-related condition. Last evaluated: 2026-07-23. Review status: criteria provided, single submitter. Criteria: ACMG Guidelines, 2015. Collection method: clinical testing. Allele origin: germline.
Comment: The TTN c.77821_77823delGTT variant is predicted to result in an in-frame deletion (p.Val25941del). To our knowledge, this variant has not been reported in the literature. This variant is reported in 0.0065% of alleles in individuals of African descent in gnomAD. At this time, the clinical significance of this variant is uncertain due to the absence of conclusive functional and genetic evidence.

Ambry Genetics
Classification: Uncertain significance for Cardiovascular phenotype. Last evaluated: 2024-09-13. Review status: criteria provided, single submitter. Criteria: Ambry Variant Classification Scheme 2023. Collection method: clinical testing. Allele origin: germline.
Comment: The c.50626_50628delGTT variant (also known as p.V16876del) is located in coding exon 153 of the TTN gene. This variant results from an in-frame GTT deletion at nucleotide positions 50626 to 50628. This results in the in-frame deletion of a valine at codon 16876. This amino acid position is highly conserved in available vertebrate species. In addition, this alteration is predicted to be deleterious by in silico analysis (Choi Y et al. PLoS ONE. 2012; 7(10):e46688). Based on the available evidence, the clinical significance of this variant remains unclear.

Fulgent Genetics
Classification: Uncertain significance for Tibial muscular dystrophy; Myopathy, myofibrillar, 9, with early respiratory failure; Dilated cardiomyopathy 1G; Autosomal recessive limb-girdle muscular dystrophy type 2J; Early-onset myopathy with fatal cardiomyopathy; Hypertrophic cardiomyopathy 9. Last evaluated: 2022-02-09. Review status: criteria provided, single submitter. Criteria: ACMG Guidelines, 2015. Collection method: clinical testing. Allele origin: unknown.

Women's Health and Genetics/Laboratory Corporation of America, LabCorp
Classification: Uncertain significance. Last evaluated: 2021-02-08. Review status: criteria provided, single submitter. Criteria: LabCorp Variant Classification Summary - May 2015. Collection method: clinical testing. Allele origin: germline.
Comment: Variant summary: TTN c.70117_70119delGTT (p.Val23373del) results in an in-frame deletion that is predicted to remove one amino acid from the encoded protein. The variant allele was found at a frequency of 1.6e-05 in 248558 control chromosomes. The available data on variant occurrences in the general population are insufficient to allow any conclusion about variant significance. To our knowledge, no occurrence of c.70117_70119delGTT in individuals affected with Dilated Cardiomyopathy and no experimental evidence demonstrating its impact on protein function have been reported. No clinical diagnostic laboratories have submitted clinical-significance assessments for this variant to ClinVar after 2014. Based on the evidence outlined above, the variant was classified as uncertain significance.

Revvity Omics, Revvity
Classification: Uncertain significance. Last evaluated: 2019-12-17. Review status: criteria provided, single submitter. Criteria: ACMG Guidelines, 2015. Collection method: clinical testing. Allele origin: germline.

NM_001267550.2(TTN):c.77818GTT[1] (p.Val25941del)

Genes: TTN (titin; minus strand), TTN-AS1 (TTN antisense RNA 1; plus strand). Cytogenetic location: 2q31.2.
Variant type: Microsatellite.
Coding change: c.77818GTT[1] on transcript NM_001267550.2 (MANE Select); one copy of the 3-base unit GTT starting at c.77818; the reference has two copies in a row; one copy, 3 bases deleted; also written c.77821_77823del.
Protein change: p.Val25941del; deletes valine 25941.
Molecular consequence: inframe deletion.
Genome position (GRCh38, 1-based): chr2:178,568,309-178,568,311, AAC deleted on the plus strand (GTT on the coding strand, the reverse complement: TTN is on the minus strand); deleting any 3 consecutive bases within chr2:178,568,309-178,568,315 gives the same sequence; the position shown is the placement nearest the transcript's 3' end. VCF-style (leftmost placement, unchanged base first): chr2-178568308-AAAC-A. GRCh37 (hg19) VCF-style: chr2-179433035-AAAC-A.
Other names: c.50626_50628delGTT (NM_003319.4); c.72895GTT[1], p.Val24300del (NM_001256850.1); c.50623GTT[1], p.Val16876del (NM_003319.4); c.70114GTT[1], p.Val23373del (NM_133378.4); c.50998GTT[1], p.Val17001del (NM_133432.3); c.51199GTT[1], p.Val17068del (NM_133437.4); c.77821_77823delGTT (NM_001267550.2); c.70117_70119delGTT (NM_133378.4); and 2 more; short protein forms V16876del, V17001del, V17068del, V23373del, V24300del, V25941del.
Identifiers: ClinVar variation 997874 (VCV000997874.9), dbSNP rs754571796, ClinGen allele CA1989706.